The following is an entry in ClinVar:

NM_017780.4(CHD7):c.5707T>C (p.Trp1903Arg)

Gene: CHD7 (chromodomain helicase DNA binding protein 7; plus strand). Cytogenetic location: 8q12.2.
Variant type: single nucleotide variant.
Coding change: c.5707T>C on transcript NM_017780.4 (MANE Select); coding-DNA position 5707, T replaced by C.
Protein change: p.Trp1903Arg; replaces tryptophan 1903 with arginine.
Molecular consequence: missense variant. On other transcripts: intron variant (1).
Genome position (GRCh38, 1-based): chr8:60,852,060, T>C. VCF-style: chr8-60852060-T-C. GRCh37 (hg19) VCF-style: chr8-61764619-T-C.
Other names: c.1717-10169T>C (NM_001316690.1); c.5707T>C (NM_017780.3); short protein forms W1903R.
Identifiers: ClinVar variation 2824364 (VCV002824364.4), dbSNP rs2488029368, ClinGen allele CA371322445.
Genomic context (GRCh38, chr8:60,852,060, plus strand): 5'-TGTTTTTCCACTTCCCCAGGCAAGCACAGTGAGAGTAATGCTGAGTTAGGCCAACTTTAC[T>C]GGCCTAACACTTCAACCCTGACTACACGTCTGCGCCGGCTCATTACTGCCTATCAGCGCA-3'
Protein context (NP_060250.2, residues 1893-1913): ESNAELGQLY[Trp1903Arg]PNTSTLTTRL

ClinVar aggregate classification (germline): Uncertain significance. Review status: criteria provided, multiple submitters, no conflicts (2 of 4 stars). 2 submissions from 2 submitters: Uncertain significance (2). Last evaluated 2026-05-13.

Conditions:
Inborn genetic diseases. Identifiers: MedGen C0950123, MeSH D030342.
CHARGE syndrome (CHARGE). Also called: Hittner Hirsch Kreh syndrome; CHARGE ASSOCIATION--COLOBOMA, HEART ANOMALY, CHOANAL ATRESIA, RETARDATION, GENITAL AND EAR ANOMALIES; Coloboma, heart anomaly, choanal atresia, retardation, genital and ear anomalies; CHARGE association; Hall-Hittner syndrome. Identifiers: Orphanet 138, MedGen C0265354, MONDO:0008965.

Submissions (2):

Ambry Genetics
Classification: Uncertain significance for Inborn genetic diseases. Last evaluated: 2026-05-13. Review status: criteria provided, single submitter. Criteria: Ambry Variant Classification Scheme 2023. Collection method: clinical testing. Allele origin: germline.

Labcorp Genetics (formerly Invitae), Labcorp
Classification: Uncertain significance for CHARGE syndrome. Last evaluated: 2025-12-03. Review status: criteria provided, single submitter. Criteria: Invitae Variant Classification Sherloc (09022015). Collection method: clinical testing. Allele origin: germline.
Comment: This sequence change replaces tryptophan, which is neutral and slightly polar, with arginine, which is basic and polar, at codon 1903 of the CHD7 protein (p.Trp1903Arg). This variant is not present in population databases (gnomAD no frequency). This variant has not been reported in the literature in individuals affected with CHD7-related conditions. ClinVar contains an entry for this variant (Variation ID: 2824364). Invitae Evidence Modeling of protein sequence and biophysical properties (such as structural, functional, and spatial information, amino acid conservation, physicochemical variation, residue mobility, and thermodynamic stability) indicates that this missense variant is expected to disrupt CHD7 protein function with a positive predictive value of 95%. In summary, the available evidence is currently insufficient to determine the role of this variant in disease. Therefore, it has been classified as a Variant of Uncertain Significance.